The following is an entry in ClinVar:

ClinVar aggregate classification (germline): Conflicting classifications of pathogenicity. Review status: criteria provided, conflicting classifications (1 of 4 stars). 5 submissions from 5 submitters: Uncertain significance (3); Likely benign (2). Last evaluated 2025-10-15.

Conditions:
EP300-related disorder. Also called: EP300-related disorders; EP300-related condition.
Inborn genetic diseases. Identifiers: MedGen C0950123, MeSH D030342.

Allele frequency attached by ClinVar (database versions not stated): gnomAD exomes below 0.00001; gnomAD 0.00001; TOPMed 0.00001; 1000 Genomes Project 30x 0.00016; 1000 Genomes Project 0.00020.
gnomAD v4.1: 8 of 1,614,214 alleles (0.0005%); highest among the groups gnomAD compares: Admixed American, 0.005%; no homozygotes.

Submissions (5):

PreventionGenetics, part of Exact Sciences
Classification: Uncertain significance for EP300-related condition. Last evaluated: 2025-10-15. Review status: criteria provided, single submitter. Criteria: ACMG Guidelines, 2015. Collection method: clinical testing. Allele origin: germline.
Comment: The EP300 c.1727C>A variant is predicted to result in the amino acid substitution p.Thr576Asn. To our knowledge, this variant has not been reported in the literature. This variant is reported in 0.0029% of alleles in individuals of Latino descent in gnomAD. At this time, the clinical significance of this variant is uncertain due to the absence of conclusive functional and genetic evidence.

Ambry Genetics
Classification: Uncertain significance for Inborn genetic diseases. Last evaluated: 2025-03-08. Review status: criteria provided, single submitter. Criteria: Ambry Variant Classification Scheme 2023. Collection method: clinical testing. Allele origin: germline.

CeGaT Center for Human Genetics Tuebingen
Classification: Uncertain significance. Last evaluated: 2024-12-01. Review status: criteria provided, single submitter. Criteria: CeGaT Center For Human Genetics Tuebingen Variant Classification Criteria Version 2. Collection method: clinical testing. Allele origin: germline. Affected: yes. Observed: 1 variant allele.
Comment: EP300: PP3

Blueprint Genetics
Classification: Likely benign. Last evaluated: 2024-02-01. Review status: criteria provided, single submitter. Criteria: ACMG Guidelines, 2015. Collection method: clinical testing. Allele origin: germline.

GeneDx
Classification: Likely benign. Last evaluated: 2019-08-01. Review status: criteria provided, single submitter. Criteria: GeneDx Variant Classification Process June 2021. Collection method: clinical testing. Allele origin: germline. Affected: yes.
Comment: In silico analysis, which includes protein predictors and evolutionary conservation, supports a deleterious effect; Has not been previously published as pathogenic or benign to our knowledge

NM_001429.4(EP300):c.1727C>A (p.Thr576Asn)

Gene: EP300 (EP300 lysine acetyltransferase; plus strand). Cytogenetic location: 22q13.2.
Variant type: single nucleotide variant.
Coding change: c.1727C>A on transcript NM_001429.4 (MANE Select); coding-DNA position 1727, C replaced by A.
Protein change: p.Thr576Asn; replaces threonine 576 with asparagine.
Molecular consequence: missense variant.
Genome position (GRCh38, 1-based): chr22:41,137,757, C>A. VCF-style: chr22-41137757-C-A. GRCh37 (hg19) VCF-style: chr22-41533761-C-A.
Other names: c.1727C>A, p.Thr576Asn (NM_001362843.2); short protein forms T576N.
Identifiers: ClinVar variation 1177818 (VCV001177818.18), dbSNP rs201036817, ClinGen allele CA324523045.